The following is an entry in ClinVar:

NM_004320.6(ATP2A1):c.2450T>G (p.Met817Arg)

Gene: ATP2A1 (ATPase sarcoplasmic/endoplasmic reticulum Ca2+ transporting 1; plus strand). Cytogenetic location: 16p11.2.
Variant type: single nucleotide variant.
Coding change: c.2450T>G on transcript NM_004320.6 (MANE Select); coding-DNA position 2450, T replaced by G.
Protein change: p.Met817Arg; replaces methionine 817 with arginine.
Molecular consequence: missense variant.
Genome position (GRCh38, 1-based): chr16:28,902,312, T>G. VCF-style: chr16-28902312-T-G. GRCh37 (hg19) VCF-style: chr16-28913633-T-G.
Other names: p.Met817Arg; c.2450T>G (NM_173201.4); c.2075T>G, p.Met692Arg (NM_001286075.2); c.2450T>G, p.Met817Arg (NM_173201.5); short protein forms M692R, M817R.
Identifiers: ClinVar variation 2008523 (VCV002008523.3), dbSNP rs1964101108, ClinGen allele CA395414063.
Genomic context (GRCh38, chr16:28,902,312, plus strand): 5'-TGGTGACCGACGGGCTCCCAGCCACAGCCCTGGGCTTCAACCCACCAGACCTGGACATCA[T>G]GGACCGCCCCCCCCGGAGCCCCAAGGAGCCCCTCATCAGTGGCTGGCTCTTCTTCCGCTA-3'
Protein context (NP_004311.1, residues 807-827): LGFNPPDLDI[Met817Arg]DRPPRSPKEP

ClinVar aggregate classification (germline): Uncertain significance. Review status: criteria provided, multiple submitters, no conflicts (2 of 4 stars). 3 submissions from 3 submitters: Uncertain significance (3). Last evaluated 2025-02-24.

Conditions:
Brody myopathy. Also called: BRODY DISEASE. Identifiers: Orphanet 53347, MedGen C1832918, MONDO:0010977, OMIM 601003.

Allele frequency attached by ClinVar (database versions not stated): TOPMed 0.00001.
gnomAD v4.1: 1 of 1,614,058 alleles (0.000062%); highest among the groups gnomAD compares: Non-Finnish European, 0.000085%; no homozygotes.

Submissions (3):

Revvity Omics, Revvity
Classification: Uncertain significance for Brody myopathy. Last evaluated: 2025-02-24. Review status: criteria provided, single submitter. Criteria: ACMG Guidelines, 2015. Collection method: clinical testing. Allele origin: germline.

Mayo Clinic Laboratories, Mayo Clinic
Classification: Uncertain significance. Last evaluated: 2023-05-25. Review status: criteria provided, single submitter. Criteria: ACMG Guidelines, 2015. Collection method: clinical testing. Allele origin: germline. Observed: 1 variant allele.
Comment: PP3, PM2

Labcorp Genetics (formerly Invitae), Labcorp
Classification: Uncertain significance for Brody myopathy. Last evaluated: 2022-08-19. Review status: criteria provided, single submitter. Criteria: Invitae Variant Classification Sherloc (09022015). Collection method: clinical testing. Allele origin: germline.
Comment: This sequence change replaces methionine, which is neutral and non-polar, with arginine, which is basic and polar, at codon 817 of the ATP2A1 protein (p.Met817Arg). This variant is not present in population databases (gnomAD no frequency). This variant has not been reported in the literature in individuals affected with ATP2A1-related conditions. Algorithms developed to predict the effect of missense changes on protein structure and function are either unavailable or do not agree on the potential impact of this missense change (SIFT: "Deleterious"; PolyPhen-2: "Probably Damaging"; Align-GVGD: "Class C0"). In summary, the available evidence is currently insufficient to determine the role of this variant in disease. Therefore, it has been classified as a Variant of Uncertain Significance.